The following is an entry in ClinVar:

NM_177965.4(CFAP418):c.*1949C>G

Gene: CFAP418 (cilia and flagella associated protein 418; minus strand). Cytogenetic location: 8q22.1.
Variant type: single nucleotide variant.
Coding change: c.*1949C>G on transcript NM_177965.4 (MANE Select); 1949 bases downstream of the stop codon, C replaced by G.
Molecular consequence: 3 prime UTR variant.
Genome position (GRCh38, 1-based): chr8:95,245,668, G>C on the plus strand (C>G on the coding strand, the complement: CFAP418 is on the minus strand). VCF-style: chr8-95245668-G-C. GRCh37 (hg19) VCF-style: chr8-96257896-G-C.
Other names: c.*1949C>G (NM_001363260.1).
Identifiers: ClinVar variation 363987 (VCV000363987.6), dbSNP rs117011452, ClinGen allele CA10631697.

ClinVar aggregate classification (germline): Benign/Likely benign. Review status: criteria provided, multiple submitters, no conflicts (2 of 4 stars). 3 submissions from 2 submitters: Benign (1); Likely benign (2). Last evaluated 2018-01-13.

Conditions:
Cone-rod dystrophy 16 (CORD16). Identifiers: MedGen C3281045, MONDO:0013786, OMIM 614500.
Retinitis pigmentosa (RP). Identifiers: Orphanet 791, MedGen C0035334, MeSH D012174, MONDO:0019200, OMIM 268000. Inheritance: Autosomal dominant, autosomal recessive and X linked inheritance.

Allele frequency attached by ClinVar (database versions not stated): 1000 Genomes Project 0.03754; 1000 Genomes Project 30x 0.04029; gnomAD 0.06620 and 0.06868; TOPMed 0.06888.

Submissions (3):

Illumina Laboratory Services, Illumina
Classification: Likely benign for Retinitis pigmentosa. Last evaluated: 2018-01-13. Review status: criteria provided, single submitter. Criteria: ICSL Variant Classification Criteria 13 December 2019. Collection method: clinical testing. Allele origin: germline.
Comment: This variant was observed in the ICSL laboratory as part of a predisposition screen in an ostensibly healthy population. It had not been previously curated by ICSL or reported in the Human Gene Mutation Database (HGMD: prior to June 1st, 2018), and was therefore a candidate for classification through an automated scoring system. Utilizing variant allele frequency, disease prevalence and penetrance estimates, and inheritance mode, an automated score was calculated to assess if this variant is too frequent to cause the disease. Based on the score and internal cut-off values, a variant classified as likely benign is not then subjected to further curation. The score for this variant resulted in a classification of likely benign for this disease.

Illumina Laboratory Services, Illumina
Classification: Benign for Cone-rod dystrophy 16. Last evaluated: 2018-01-13. Review status: criteria provided, single submitter. Criteria: ICSL Variant Classification Criteria 13 December 2019. Collection method: clinical testing. Allele origin: germline.
Comment: This variant was observed in the ICSL laboratory as part of a predisposition screen in an ostensibly healthy population. It had not been previously curated by ICSL or reported in the Human Gene Mutation Database (HGMD: prior to June 1st, 2018), and was therefore a candidate for classification through an automated scoring system. Utilizing variant allele frequency, disease prevalence and penetrance estimates, and inheritance mode, an automated score was calculated to assess if this variant is too frequent to cause the disease. Based on the score and internal cut-off values, a variant classified as benign is not then subjected to further curation. The score for this variant resulted in a classification of benign for this disease.

Breakthrough Genomics
Classification: Likely benign. Review status: criteria provided, single submitter. Criteria: ACMG Guidelines, 2015. Collection method: not provided. Allele origin: germline. Inheritance: Unknown mechanism. Affected: yes.